The following is an entry in ClinVar:

ClinVar aggregate classification (germline): Uncertain significance (1 of 4 stars; one submission).

Allele frequency attached by ClinVar (database versions not stated): gnomAD exomes below 0.00001; gnomAD 0.00001.
gnomAD v4.1: 5 of 1,607,856 alleles (0.00031%); highest among the groups gnomAD compares: Non-Finnish European, 0.00043%; no homozygotes.

Submission:

Labcorp Genetics (formerly Invitae), Labcorp
Classification: Uncertain significance. Last evaluated: 2023-11-19. Review status: criteria provided, single submitter. Criteria: Invitae Variant Classification Sherloc (09022015). Collection method: clinical testing. Allele origin: germline.
Comment: This sequence change replaces arginine, which is basic and polar, with glutamine, which is neutral and polar, at codon 154 of the GABRB1 protein (p.Arg154Gln). This variant also falls at the last nucleotide of exon 4, which is part of the consensus splice site for this exon. This variant is present in population databases (no rsID available, gnomAD 0.007%). This variant has not been reported in the literature in individuals affected with GABRB1-related conditions. An algorithm developed to predict the effect of missense changes on protein structure and function (PolyPhen-2) suggests that this variant is likely to be disruptive. Variants that disrupt the consensus splice site are a relatively common cause of aberrant splicing (PMID: 17576681, 9536098). Algorithms developed to predict the effect of sequence changes on RNA splicing suggest that this variant may disrupt the consensus splice site. In summary, the available evidence is currently insufficient to determine the role of this variant in disease. Therefore, it has been classified as a Variant of Uncertain Significance.

Literature cited by the submitters: PubMed 17576681; PubMed 9536098.

NM_000812.4(GABRB1):c.461G>A (p.Arg154Gln)

Gene: GABRB1 (gamma-aminobutyric acid type A receptor subunit beta1; plus strand). Cytogenetic location: 4p12.
Variant type: single nucleotide variant.
Coding change: c.461G>A on transcript NM_000812.4 (MANE Select); coding-DNA position 461, G replaced by A.
Protein change: p.Arg154Gln; replaces arginine 154 with glutamine.
Molecular consequence: missense variant.
Genome position (GRCh38, 1-based): chr4:47,161,469, G>A. VCF-style: chr4-47161469-G-A. GRCh37 (hg19) VCF-style: chr4-47163486-G-A.
Other names: short protein forms R154Q.
Identifiers: ClinVar variation 2816492 (VCV002816492.3), dbSNP rs1406467671, ClinGen allele CA356806187.